The following is an entry in ClinVar:

ClinVar aggregate classification (germline): Likely pathogenic. Review status: criteria provided, multiple submitters, no conflicts (2 of 4 stars). 2 submissions from 2 submitters: Likely pathogenic (2). Last evaluated 2018-06-25.

Conditions:
Dystonia 28, childhood-onset (DYT28). Also called: KMT2B-Related Dystonia (DYT-KMT2B). Identifiers: Orphanet 589618, MedGen C4310633, MONDO:0015004, OMIM 617284.
Intellectual developmental disorder, autosomal dominant 68 (MRD68). Also called: MENTAL RETARDATION, AUTOSOMAL DOMINANT 68. Identifiers: MedGen C5677008, MONDO:0030969, OMIM 619934.

Submissions (2):

Mayo Clinic Laboratories, Mayo Clinic
Classification: Likely pathogenic for Dystonia 28, childhood-onset. Last evaluated: 2018-06-25. Review status: criteria provided, single submitter. Criteria: ACMG Guidelines, 2015. Collection method: clinical testing. Allele origin: de novo.

Juno Genomics, Hangzhou Juno Genomics, Inc
Classification: Likely pathogenic for Dystonia 28, childhood-onset; Intellectual developmental disorder, autosomal dominant 68. Review status: criteria provided, single submitter. Criteria: ACMG Guidelines, 2015. Collection method: clinical testing. Allele origin: germline.
Comment: Absent from controls (or at extremely low frequency if recessive) in Genome Aggregation Database.;Null variant in a gene where loss of function (LOF) is a known mechanism of disease.

NM_014727.3(KMT2B):c.5335C>T (p.Arg1779Ter)

Gene: KMT2B (lysine methyltransferase 2B; plus strand). Cytogenetic location: 19q13.12.
Variant type: single nucleotide variant.
Coding change: c.5335C>T on transcript NM_014727.3 (MANE Select); coding-DNA position 5335, C replaced by T.
Protein change: p.Arg1779Ter; replaces arginine 1779 with a stop codon.
Molecular consequence: nonsense.
Genome position (GRCh38, 1-based): chr19:35,730,765, C>T. VCF-style: chr19-35730765-C-T. GRCh37 (hg19) VCF-style: chr19-36221666-C-T.
Other names: short protein forms R1779*.
Identifiers: ClinVar variation 562212 (VCV000562212.7), dbSNP rs1568379151, ClinGen allele CA405421622.